The following is an entry in ClinVar:

NM_001519.4(BRF1):c.875C>A (p.Pro292His)

Gene: BRF1 (BRF1 general transcription factor IIIB subunit; minus strand). Cytogenetic location: 14q32.33.
Variant type: single nucleotide variant.
Coding change: c.875C>A on transcript NM_001519.4 (MANE Select); coding-DNA position 875, C replaced by A.
Protein change: p.Pro292His; replaces proline 292 with histidine.
Molecular consequence: missense variant.
Genome position (GRCh38, 1-based): chr14:105,226,674, G>T on the plus strand (C>A on the coding strand, the complement: BRF1 is on the minus strand). VCF-style: chr14-105226674-G-T. GRCh37 (hg19) VCF-style: chr14-105693011-G-T.
Other names: c.530C>A, p.Pro177His (NM_001242786.2, NM_001242787.2); c.794C>A, p.Pro265His (NM_001242788.2); c.161C>A, p.Pro54His (NM_001242789.2); c.263C>A, p.Pro88His (NM_145685.3); short protein forms P177H, P292H, P265H, P88H, P54H.
Identifiers: ClinVar variation 161426 (VCV000161426.5), dbSNP rs606231450, ClinGen allele CA174018.

ClinVar aggregate classification (germline): Pathogenic/Likely pathogenic. Review status: criteria provided, multiple submitters, no conflicts (2 of 4 stars). 4 submissions from 4 submitters: Pathogenic (1); Likely pathogenic (1). 2 of the submissions do not count toward it. Last evaluated 2024-02-23.

Conditions:
Cerebellar-facial-dental syndrome. Also called: Cerebellofaciodental syndrome. Identifiers: Orphanet 444072, MedGen C4015495, MONDO:0014529, OMIM 616202.

Allele frequency attached by ClinVar (database versions not stated): gnomAD 0.00001; TOPMed 0.00001.
gnomAD v4.1: 4 of 1,613,402 alleles (0.00025%); highest among the groups gnomAD compares: Admixed American, 0.0033%; no homozygotes.

Submissions (4):

GeneDx
Classification: Likely pathogenic. Last evaluated: 2024-02-23. Review status: criteria provided, single submitter. Criteria: GeneDx Variant Classification Process June 2021. Collection method: clinical testing. Allele origin: germline. Affected: yes.
Comment: Published functional studies demonstrate a damaging effect on protein activity resulting in loss of function (PMID: 25561519); Not observed at significant frequency in large population cohorts (gnomAD); In silico analysis supports that this missense variant has a deleterious effect on protein structure/function; This variant is associated with the following publications: (PMID: 25561519)

3billion
Classification: Pathogenic for Cerebellar-facial-dental syndrome. Last evaluated: 2023-02-23. Review status: criteria provided, single submitter. Criteria: ACMG Guidelines, 2015. Collection method: clinical testing. Allele origin: unknown. Affected: yes.
Comment: The variant is observed at an extremely low frequency in the gnomAD v2.1.1 dataset (total allele frequency: <0.001%). Missense changes are a common disease-causing mechanism. Functional studies provide strong evidence of the variant having a damaging effect on the gene or gene product (PMID: 25561519, 25561519). In silico tool predictions suggest damaging effect of the variant on gene or gene product (REVEL: 0.78; 3Cnet: 0.38). Same nucleotide change resulting in same amino acid change has been previously reported to be associated with BRF1 related disorder (ClinVar ID: VCV000161426 / PMID: 25561519). The variant has been reported to be in trans with a pathogenic variant as either compound heterozygous or homozygous in at least one similarly affected unrelated individual (PMID: 25561519). A different missense change at the same codon (p.Pro292Arg) has been reported to be associated with BRF1 related disorder (ClinVar ID: VCV001098378 / PMID: 27748960). Therefore, this variant is classified as Pathogenic according to the recommendation of ACMG/AMP guideline.

OMIM
Classification: Pathogenic for CEREBELLOFACIODENTAL SYNDROME. Last evaluated: 2015-01-05. Review status: no assertion criteria provided. Collection method: literature only. Allele origin: germline. Not counted in ClinVar's aggregate classification.

Institute of Human Genetics, University of Ulm
Classification: Pathogenic for cerebellar-facial-dental syndrome. Last evaluated: 2014-12-04. Review status: no assertion criteria provided. Collection method: research. Allele origin: germline. Inheritance: Autosomal recessive inheritance. Affected: yes. Observed: 2 variant alleles, 2 compound heterozygotes. Clinical features observed: short stature, microcephaly, intellectual disability, cerebellar hypoplasia, prominent incisors, taurodontism, facial dysmorphisms. Not counted in ClinVar's aggregate classification.

Literature cited by the submitters: PubMed 25561519 (cited by 3billion and OMIM); PubMed 27748960 (cited by 3billion).